The following is an entry in ClinVar:

NM_001261826.3(AP3D1):c.2892G>A (p.Ala964=)

Gene: AP3D1 (adaptor related protein complex 3 subunit delta 1; minus strand). Cytogenetic location: 19p13.3.
Variant type: single nucleotide variant.
Coding change: c.2892G>A on transcript NM_001261826.3 (MANE Select); coding-DNA position 2892, G replaced by A.
Protein change: p.Ala964=; no amino-acid change (alanine 964 retained).
Molecular consequence: synonymous variant.
Genome position (GRCh38, 1-based): chr19:2,111,724, C>T on the plus strand (G>A on the coding strand, the complement: AP3D1 is on the minus strand). VCF-style: chr19-2111724-C-T. GRCh37 (hg19) VCF-style: chr19-2111723-C-T.
Other names: c.2856G>A, p.Ala952= (NM_001374799.1); c.2706G>A, p.Ala902= (NM_003938.8); c.2892G>A (NM_001261826.1).
Identifiers: ClinVar variation 1088156 (VCV001088156.13), dbSNP rs367708267, ClinGen allele CA9058683.

ClinVar aggregate classification (germline): Likely benign. Review status: criteria provided, multiple submitters, no conflicts (2 of 4 stars). 6 submissions from 6 submitters: Likely benign (2). 4 of the submissions do not count toward it. Last evaluated 2026-01-06.

Conditions:
AP3D1-related disorder. Also called: AP3D1-related condition.

Allele frequency attached by ClinVar (database versions not stated): ESP Exome Variant Server 0.00015; gnomAD 0.00023 and 0.00024; gnomAD exomes 0.00023.
gnomAD v4.1: 329 of 1,604,600 alleles (0.021%); highest among the groups gnomAD compares: Admixed American, 0.071%; no homozygotes.

Submissions (6):

Labcorp Genetics (formerly Invitae), Labcorp
Classification: Likely benign. Last evaluated: 2026-01-06. Review status: criteria provided, single submitter. Criteria: Invitae Variant Classification Sherloc (09022015). Collection method: clinical testing. Allele origin: germline.

Blueprint Genetics
Classification: Likely benign. Last evaluated: 2024-11-27. Review status: criteria provided, single submitter. Criteria: ACMG Guidelines, 2015. Collection method: clinical testing. Allele origin: germline.

PreventionGenetics, part of Exact Sciences
Classification: Likely benign for AP3D1-related condition. Last evaluated: 2024-07-29. Review status: no assertion criteria provided. Collection method: clinical testing. Allele origin: germline. Not counted in ClinVar's aggregate classification.
Comment: This variant is classified as likely benign based on ACMG/AMP sequence variant interpretation guidelines (Richards et al. 2015 PMID: 25741868, with internal and published modifications).

Clinical Genetics DNA and cytogenetics Diagnostics Lab, Erasmus MC, Erasmus Medical Center
Classification: Likely benign. Review status: no assertion criteria provided. Collection method: clinical testing. Allele origin: germline. Affected: yes. Study: VKGL Data-share Consensus. Not counted in ClinVar's aggregate classification.

Diagnostic Laboratory, Department of Genetics, University Medical Center Groningen
Classification: Likely benign. Review status: no assertion criteria provided. Collection method: clinical testing. Allele origin: germline. Affected: yes. Study: VKGL Data-share Consensus. Not counted in ClinVar's aggregate classification.

Genome Diagnostics Laboratory, University Medical Center Utrecht
Classification: Likely benign. Review status: no assertion criteria provided. Collection method: clinical testing. Allele origin: germline. Affected: yes. Study: VKGL Data-share Consensus. Not counted in ClinVar's aggregate classification.